The following is an entry in ClinVar:

NM_000392.5(ABCC2):c.929T>G (p.Leu310Trp)

Gene: ABCC2 (ATP binding cassette subfamily C member 2; plus strand). Cytogenetic location: 10q24.2.
Variant type: single nucleotide variant.
Coding change: c.929T>G on transcript NM_000392.5 (MANE Select); coding-DNA position 929, T replaced by G.
Protein change: p.Leu310Trp; replaces leucine 310 with tryptophan.
Molecular consequence: missense variant.
Genome position (GRCh38, 1-based): chr10:99,799,268, T>G. VCF-style: chr10-99799268-T-G. GRCh37 (hg19) VCF-style: chr10-101559025-T-G.
Other names: short protein forms L310W.
Identifiers: ClinVar variation 2585249 (VCV002585249.1), dbSNP rs553674996, ClinGen allele CA5643031.

ClinVar aggregate classification (germline): Uncertain significance (1 of 4 stars; one submission).

Conditions:
Dubin-Johnson syndrome (DJS). Also called: HYPERBILIRUBINEMIA, DUBIN-JOHNSON TYPE; Jaundice, Chronic Idiopathic; Hyperbilirubinemia type 2. Identifiers: Orphanet 234, MedGen C0022350, MONDO:0009380, OMIM 237500.

Allele frequency attached by ClinVar (database versions not stated): gnomAD 0.00001; ExAC 0.00002; 1000 Genomes Project 30x 0.00016; 1000 Genomes Project 0.00020.
gnomAD v4.1: 8 of 1,614,186 alleles (0.0005%); highest among the groups gnomAD compares: South Asian, 0.0066%; no homozygotes.

Submission:

Neuberg Centre For Genomic Medicine, NCGM
Classification: Uncertain significance for Dubin-Johnson syndrome. Review status: criteria provided, single submitter. Criteria: ACMG Guidelines, 2015. Collection method: clinical testing. Allele origin: germline. Inheritance: Autosomal recessive inheritance. Affected: yes.
Comment: The missense variant in c.929T>G (p.Leu310Trp) in ABCC2 gene has not been reported previously as a pathogenic variant nor as a benign variant, to our knowledge. The p.Leu310Trp variant is reported with the allele frequency of 0.015% in gnomAD Exome and is novel (not in any individuals) in 1000 Genomes. The amino acid Leu at position 310 is changed to a Trp changing protein sequence and it might alter its composition and physico-chemical properties. The variant is predicted to be damaging by both SIFT and PolyPhen2. The residue is conserved across species. The amino acid change p.Leu310Trp in ABCC2 is predicted as conserved by GERP++ and PhyloP across 100 vertebrates. For these reasons, this variant has been classified as Uncertain Significance.